The following is an entry in ClinVar:

ClinVar aggregate classification (germline): Uncertain significance (1 of 4 stars; one submission).

Conditions:
Werner syndrome (WRN). Identifiers: Orphanet 902, MedGen C0043119, MONDO:0010196, OMIM 277700.

Submission:

Labcorp Genetics (formerly Invitae), Labcorp
Classification: Uncertain significance for Werner syndrome. Last evaluated: 2023-10-04. Review status: criteria provided, single submitter. Criteria: Invitae Variant Classification Sherloc (09022015). Collection method: clinical testing. Allele origin: germline.
Comment: This sequence change replaces proline, which is neutral and non-polar, with serine, which is neutral and polar, at codon 733 of the WRN protein (p.Pro733Ser). This variant is not present in population databases (gnomAD no frequency). This variant has not been reported in the literature in individuals affected with WRN-related conditions. ClinVar contains an entry for this variant (Variation ID: 580045). An algorithm developed to predict the effect of missense changes on protein structure and function (PolyPhen-2) suggests that this variant is likely to be disruptive. In summary, the available evidence is currently insufficient to determine the role of this variant in disease. Therefore, it has been classified as a Variant of Uncertain Significance.

NM_000553.6(WRN):c.2197C>T (p.Pro733Ser)

Gene: WRN (WRN RecQ like helicase; plus strand). Cytogenetic location: 8p12.
Variant type: single nucleotide variant.
Coding change: c.2197C>T on transcript NM_000553.6 (MANE Select); coding-DNA position 2197, C replaced by T.
Protein change: p.Pro733Ser; replaces proline 733 with serine.
Molecular consequence: missense variant.
Genome position (GRCh38, 1-based): chr8:31,111,723, C>T. VCF-style: chr8-31111723-C-T. GRCh37 (hg19) VCF-style: chr8-30969239-C-T.
Other names: short protein forms P733S.
Identifiers: ClinVar variation 580045 (VCV000580045.7), dbSNP rs1563357790, ClinGen allele CA370912776.